The following is an entry in ClinVar:

ClinVar aggregate classification (germline): Conflicting classifications of pathogenicity. Review status: criteria provided, conflicting classifications (1 of 4 stars). 3 submissions from 3 submitters: Uncertain significance (1); Likely benign (2). Last evaluated 2022-08-31.

Conditions:
Inborn genetic diseases. Identifiers: MedGen C0950123, MeSH D030342.

Allele frequency attached by ClinVar (database versions not stated): ExAC 0.00003; gnomAD 0.00003; gnomAD exomes 0.00003; TOPMed 0.00005; 1000 Genomes Project 30x 0.00016; 1000 Genomes Project 0.00020.

Submissions (3):

Labcorp Genetics (formerly Invitae), Labcorp
Classification: Uncertain significance. Last evaluated: 2022-08-31. Review status: criteria provided, single submitter. Criteria: Invitae Variant Classification Sherloc (09022015). Collection method: clinical testing. Allele origin: germline.
Comment: This sequence change replaces methionine, which is neutral and non-polar, with threonine, which is neutral and polar, at codon 346 of the RNF168 protein (p.Met346Thr). This variant is present in population databases (rs200603619, gnomAD 0.006%). This variant has not been reported in the literature in individuals affected with RNF168-related conditions. ClinVar contains an entry for this variant (Variation ID: 1433566). Algorithms developed to predict the effect of missense changes on protein structure and function output the following: SIFT: "Tolerated"; PolyPhen-2: "Benign"; Align-GVGD: "Class C0". The threonine amino acid residue is found in multiple mammalian species, which suggests that this missense change does not adversely affect protein function. In summary, the available evidence is currently insufficient to determine the role of this variant in disease. Therefore, it has been classified as a Variant of Uncertain Significance.

Ambry Genetics
Classification: Likely benign for Inborn genetic diseases. Last evaluated: 2022-06-17. Review status: criteria provided, single submitter. Criteria: Ambry Variant Classification Scheme 2023. Collection method: clinical testing. Allele origin: germline.

Blueprint Genetics
Classification: Likely benign. Last evaluated: 2022-05-05. Review status: criteria provided, single submitter. Criteria: ACMG Guidelines, 2015. Collection method: clinical testing. Allele origin: germline.

NM_152617.4(RNF168):c.1037T>C (p.Met346Thr)

Gene: RNF168 (ring finger protein 168; minus strand). Cytogenetic location: 3q29.
Variant type: single nucleotide variant.
Coding change: c.1037T>C on transcript NM_152617.4 (MANE Select); coding-DNA position 1037, T replaced by C.
Protein change: p.Met346Thr; replaces methionine 346 with threonine.
Molecular consequence: missense variant.
Genome position (GRCh38, 1-based): chr3:196,472,498, A>G on the plus strand (T>C on the coding strand, the complement: RNF168 is on the minus strand). VCF-style: chr3-196472498-A-G. GRCh37 (hg19) VCF-style: chr3-196199369-A-G.
Other names: c.1037T>C (NM_152617.3); short protein forms M346T.
Identifiers: ClinVar variation 1433566 (VCV001433566.7), dbSNP rs200603619, ClinGen allele CA2780743.